The following is an entry in ClinVar:

NM_005004.4(NDUFB8):c.238G>A (p.Asp80Asn)

Gene: NDUFB8 (NADH:ubiquinone oxidoreductase subunit B8; minus strand). Cytogenetic location: 10q24.31.
Variant type: single nucleotide variant.
Coding change: c.238G>A on transcript NM_005004.4 (MANE Select); coding-DNA position 238, G replaced by A.
Protein change: p.Asp80Asn; replaces aspartic acid 80 with asparagine.
Molecular consequence: missense variant.
Genome position (GRCh38, 1-based): chr10:100,527,049, C>T on the plus strand (G>A on the coding strand, the complement: NDUFB8 is on the minus strand). VCF-style: chr10-100527049-C-T. GRCh37 (hg19) VCF-style: chr10-102286806-C-T.
Other names: c.238G>A, p.Asp80Asn (NM_001284367.2); c.145G>A, p.Asp49Asn (NM_001284368.1); short protein forms D49N, D80N.
Identifiers: ClinVar variation 2118160 (VCV002118160.4), dbSNP rs2492926784, ClinGen allele CA378176159.

ClinVar aggregate classification (germline): Uncertain significance (1 of 4 stars; one submission).

Submission:

Labcorp Genetics (formerly Invitae), Labcorp
Classification: Uncertain significance. Last evaluated: 2022-07-14. Review status: criteria provided, single submitter. Criteria: Invitae Variant Classification Sherloc (09022015). Collection method: clinical testing. Allele origin: germline.
Comment: Algorithms developed to predict the effect of missense changes on protein structure and function output the following: SIFT: "Tolerated"; PolyPhen-2: "Benign"; Align-GVGD: "Class C0". The asparagine amino acid residue is found in multiple mammalian species, which suggests that this missense change does not adversely affect protein function. In summary, the available evidence is currently insufficient to determine the role of this variant in disease. Therefore, it has been classified as a Variant of Uncertain Significance. This variant has not been reported in the literature in individuals affected with NDUFB8-related conditions. This variant is not present in population databases (gnomAD no frequency). This sequence change replaces aspartic acid, which is acidic and polar, with asparagine, which is neutral and polar, at codon 80 of the NDUFB8 protein (p.Asp80Asn).